The following is an entry in ClinVar:

ClinVar aggregate classification (germline): Uncertain significance. Review status: criteria provided, multiple submitters, no conflicts (2 of 4 stars). 2 submissions from 2 submitters: Uncertain significance (2). Last evaluated 2025-08-07.

Allele frequency attached by ClinVar (database versions not stated): ExAC 0.00008; gnomAD 0.00019; TOPMed 0.00025; 1000 Genomes Project 30x 0.00031; ESP Exome Variant Server 0.00031; 1000 Genomes Project 0.00040.
gnomAD v4.1: 57 of 1,613,540 alleles (0.0035%); highest among the groups gnomAD compares: African/African-American, 0.071%; no homozygotes.

Submissions (2):

Ambry Genetics
Classification: Uncertain significance. Last evaluated: 2025-08-07. Review status: criteria provided, single submitter. Criteria: Ambry Variant Classification Scheme 2023. Collection method: clinical testing. Allele origin: germline.

Labcorp Genetics (formerly Invitae), Labcorp
Classification: Uncertain significance. Last evaluated: 2022-07-29. Review status: criteria provided, single submitter. Criteria: Invitae Variant Classification Sherloc (09022015). Collection method: clinical testing. Allele origin: germline.
Comment: This sequence change replaces valine, which is neutral and non-polar, with methionine, which is neutral and non-polar, at codon 239 of the EIF2AK1 protein (p.Val239Met). This variant is present in population databases (rs150312555, gnomAD 0.06%), and has an allele count higher than expected for a pathogenic variant. This variant has not been reported in the literature in individuals affected with EIF2AK1-related conditions. Algorithms developed to predict the effect of missense changes on protein structure and function output the following: SIFT: "Tolerated"; PolyPhen-2: "Benign"; Align-GVGD: "Class C0". The methionine amino acid residue is found in multiple mammalian species, which suggests that this missense change does not adversely affect protein function. In summary, the available evidence is currently insufficient to determine the role of this variant in disease. Therefore, it has been classified as a Variant of Uncertain Significance.

NM_014413.4(EIF2AK1):c.715G>A (p.Val239Met)

Gene: EIF2AK1 (eukaryotic translation initiation factor 2 alpha kinase 1; minus strand). Cytogenetic location: 7p22.1.
Variant type: single nucleotide variant.
Coding change: c.715G>A on transcript NM_014413.4 (MANE Select); coding-DNA position 715, G replaced by A.
Protein change: p.Val239Met; replaces valine 239 with methionine.
Molecular consequence: missense variant.
Genome position (GRCh38, 1-based): chr7:6,044,577, C>T on the plus strand (G>A on the coding strand, the complement: EIF2AK1 is on the minus strand). VCF-style: chr7-6044577-C-T. GRCh37 (hg19) VCF-style: chr7-6084208-C-T.
Other names: c.715G>A (NM_014413.3); c.715G>A, p.Val239Met (NM_001134335.2); short protein forms V239M.
Identifiers: ClinVar variation 2168608 (VCV002168608.5), dbSNP rs150312555, ClinGen allele CA4151094.
Genomic context (GRCh38, chr7:6,044,577, plus strand): 5'-AAGTTTGCCAACGCTTCAACTACCATACCATCAAAAACGGCTTACCTCGTGGCTGAATCA[C>T]ATGAACATGTTCTATCCACGCGGTGTGATAGCCAACAATATTGGGGTGCTGAAGACCTGC-3'
Protein context (NP_055228.2, residues 229-249): YHTAWIEHVH[Val239Met]IQPRADRAAI